The following is an entry in ClinVar:

ClinVar aggregate classification (germline): Uncertain significance (1 of 4 stars; one submission).

Allele frequency attached by ClinVar (database versions not stated): gnomAD exomes 0.00001.
gnomAD v4.1: 7 of 1,613,408 alleles (0.00043%); highest among the groups gnomAD compares: Non-Finnish European, 0.00059%; no homozygotes.

Submission:

Labcorp Genetics (formerly Invitae), Labcorp
Classification: Uncertain significance. Last evaluated: 2025-10-17. Review status: criteria provided, single submitter. Criteria: Invitae Variant Classification Sherloc (09022015). Collection method: clinical testing. Allele origin: germline.
Comment: This sequence change replaces phenylalanine, which is neutral and non-polar, with valine, which is neutral and non-polar, at codon 688 of the IL6ST protein (p.Phe688Val). This variant is not present in population databases (gnomAD no frequency). This variant has not been reported in the literature in individuals affected with IL6ST-related conditions. ClinVar contains an entry for this variant (Variation ID: 1943188). An algorithm developed to predict the effect of missense changes on protein structure and function (PolyPhen-2) suggests that this variant is likely to be tolerated. In summary, the available evidence is currently insufficient to determine the role of this variant in disease. Therefore, it has been classified as a Variant of Uncertain Significance.

NM_002184.4(IL6ST):c.2062T>G (p.Phe688Val)

Gene: IL6ST (interleukin 6 cytokine family signal transducer; minus strand). Cytogenetic location: 5q11.2.
Variant type: single nucleotide variant.
Coding change: c.2062T>G on transcript NM_002184.4 (MANE Select); coding-DNA position 2062, T replaced by G.
Protein change: p.Phe688Val; replaces phenylalanine 688 with valine.
Molecular consequence: missense variant. On other transcripts: 3 prime UTR variant (1), non-coding transcript variant (2).
Genome position (GRCh38, 1-based): chr5:55,941,777, A>C on the plus strand (T>G on the coding strand, the complement: IL6ST is on the minus strand). VCF-style: chr5-55941777-A-C. GRCh37 (hg19) VCF-style: chr5-55237605-A-C.
Other names: c.1879T>G, p.Phe627Val (NM_001190981.2); c.1960T>G, p.Phe654Val (NM_001364275.2); c.1852T>G, p.Phe618Val (NM_001364276.2); c.1195T>G, p.Phe399Val (NM_001364277.2); c.1159T>G, p.Phe387Val (NM_001364278.2); c.1066T>G, p.Phe356Val (NM_001364279.2); c.*989T>G (NM_175767.3); short protein forms F399V, F627V, F356V, F618V, F654V, F688V, F387V.
Identifiers: ClinVar variation 1943188 (VCV001943188.5), dbSNP rs2533431336, ClinGen allele CA359780117.